The following is an entry in ClinVar:

ClinVar aggregate classification (germline): Uncertain significance. Review status: criteria provided, multiple submitters, no conflicts (2 of 4 stars). 2 submissions from 2 submitters: Uncertain significance (2). Last evaluated 2023-02-08.

Conditions:
Bethlem myopathy 1A. Also called: Bethlem myopathy 1; MYOPATHY, BENIGN CONGENITAL, WITH CONTRACTURES; Bethlem Muscular Dystrophy. Identifiers: Orphanet 610, MedGen CN029274, MONDO:0024530, OMIM 158810.

Submissions (2):

Labcorp Genetics (formerly Invitae), Labcorp
Classification: Uncertain significance for Bethlem myopathy 1A. Last evaluated: 2023-02-08. Review status: criteria provided, single submitter. Criteria: Invitae Variant Classification Sherloc (09022015). Collection method: clinical testing. Allele origin: germline.
Comment: In summary, the available evidence is currently insufficient to determine the role of this variant in disease. Therefore, it has been classified as a Variant of Uncertain Significance. Advanced modeling of protein sequence and biophysical properties (such as structural, functional, and spatial information, amino acid conservation, physicochemical variation, residue mobility, and thermodynamic stability) performed at Invitae indicates that this missense variant is expected to disrupt COL6A2 protein function. ClinVar contains an entry for this variant (Variation ID: 1800899). This variant has not been reported in the literature in individuals affected with COL6A2-related conditions. This variant is not present in population databases (gnomAD no frequency). This sequence change replaces methionine, which is neutral and non-polar, with lysine, which is basic and polar, at codon 595 of the COL6A2 protein (p.Met595Lys).

GeneDx
Classification: Uncertain significance. Last evaluated: 2022-05-24. Review status: criteria provided, single submitter. Criteria: GeneDx Variant Classification Process June 2021. Collection method: clinical testing. Allele origin: germline. Affected: yes.
Comment: Not observed at significant frequency in large population cohorts (gnomAD); In silico analysis supports that this missense variant has a deleterious effect on protein structure/function; Has not been previously published as pathogenic or benign to our knowledge

NM_001849.4(COL6A2):c.1784T>A (p.Met595Lys)

Gene: COL6A2 (collagen type VI alpha 2 chain; plus strand). Cytogenetic location: 21q22.3.
Variant type: single nucleotide variant.
Coding change: c.1784T>A on transcript NM_001849.4 (MANE Select); coding-DNA position 1784, T replaced by A.
Protein change: p.Met595Lys; replaces methionine 595 with lysine.
Molecular consequence: missense variant.
Genome position (GRCh38, 1-based): chr21:46,125,279, T>A. VCF-style: chr21-46125279-T-A. GRCh37 (hg19) VCF-style: chr21-47545193-T-A.
Other names: c.1784T>A, p.Met595Lys (NM_058174.3, NM_058175.3); short protein forms M595K.
Identifiers: ClinVar variation 1800899 (VCV001800899.4), dbSNP rs2517015683, ClinGen allele CA410537865.